The following is an entry in ClinVar:

ClinVar aggregate classification (germline): Uncertain significance. Review status: criteria provided, multiple submitters, no conflicts (2 of 4 stars). 2 submissions from 2 submitters: Uncertain significance (2). Last evaluated 2026-09-17.

Conditions:
Inborn genetic diseases. Identifiers: MedGen C0950123, MeSH D030342.

Allele frequency attached by ClinVar (database versions not stated): ESP Exome Variant Server 0.00015; 1000 Genomes Project 0.00020; 1000 Genomes Project 30x 0.00031.
gnomAD v4.1: 105 of 1,602,918 alleles (0.0066%); highest among the groups gnomAD compares: African/African-American, 0.13%; no homozygotes.

Submissions (2):

GeneDx
Classification: Uncertain significance. Last evaluated: 2026-09-17. Review status: criteria provided, single submitter. Criteria: GeneDx Variant Classification Process June 2021. Collection method: clinical testing. Allele origin: germline.
Comment: In silico analysis suggests that this missense variant does not alter protein structure/function; Has not been previously published as pathogenic or benign to our knowledge

Ambry Genetics
Classification: Uncertain significance for Inborn genetic diseases. Last evaluated: 2021-07-20. Review status: criteria provided, single submitter. Criteria: Ambry Variant Classification Scheme 2023. Collection method: clinical testing. Allele origin: germline.

NM_004667.6(HERC2):c.5710A>G (p.Ile1904Val)

Gene: HERC2 (HECT and RLD domain containing E3 ubiquitin protein ligase 2; minus strand). Cytogenetic location: 15q13.1.
Variant type: single nucleotide variant.
Coding change: c.5710A>G on transcript NM_004667.6 (MANE Select); coding-DNA position 5710, A replaced by G.
Protein change: p.Ile1904Val; replaces isoleucine 1904 with valine.
Molecular consequence: missense variant.
Genome position (GRCh38, 1-based): chr15:28,220,587, T>C on the plus strand (A>G on the coding strand, the complement: HERC2 is on the minus strand). VCF-style: chr15-28220587-T-C. GRCh37 (hg19) VCF-style: chr15-28465733-T-C.
Other names: c.5710A>G (NM_004667.5); short protein forms I1904V.
Identifiers: ClinVar variation 2208842 (VCV002208842.5), dbSNP rs186663694, ClinGen allele CA7442267.